The following is an entry in ClinVar:

NM_003331.5(TYK2):c.1375T>C (p.Phe459Leu)

Gene: TYK2 (tyrosine kinase 2; minus strand). Cytogenetic location: 19p13.2.
Variant type: single nucleotide variant.
Coding change: c.1375T>C on transcript NM_003331.5 (MANE Select); coding-DNA position 1375, T replaced by C.
Protein change: p.Phe459Leu; replaces phenylalanine 459 with leucine.
Molecular consequence: missense variant.
Genome position (GRCh38, 1-based): chr19:10,362,650, A>G on the plus strand (T>C on the coding strand, the complement: TYK2 is on the minus strand). VCF-style: chr19-10362650-A-G. GRCh37 (hg19) VCF-style: chr19-10473326-A-G.
Other names: c.1375T>C (LRG_121t1); short protein forms F459L.
Identifiers: ClinVar variation 654811 (VCV000654811.7), dbSNP rs1599346193, ClinGen allele CA404009331.

ClinVar aggregate classification (germline): Uncertain significance (1 of 4 stars; one submission).

Conditions:
Immunodeficiency 35 (IMD35). Also called: TYK2 DEFICIENCY; HIES WITH ATYPICAL MYCOBACTERIOSIS, AUTOSOMAL RECESSIVE; HYPER-IgE SYNDROME WITH ATYPICAL MYCOBACTERIOSIS, AUTOSOMAL RECESSIVE; Susceptibility to infection due to TYK2 deficiency. Identifiers: Orphanet 331226, MedGen C1969086, MONDO:0012682, OMIM 611521.

Submission:

Labcorp Genetics (formerly Invitae), Labcorp
Classification: Uncertain significance for Immunodeficiency 35. Last evaluated: 2018-07-19. Review status: criteria provided, single submitter. Criteria: Invitae Variant Classification Sherloc (09022015). Collection method: clinical testing. Allele origin: germline.
Comment: This sequence change replaces phenylalanine with leucine at codon 459 of the TYK2 protein (p.Phe459Leu). The phenylalanine residue is highly conserved and there is a small physicochemical difference between phenylalanine and leucine. This variant is not present in population databases (ExAC no frequency). This variant has not been reported in the literature in individuals with TYK2-related disease. Algorithms developed to predict the effect of missense changes on protein structure and function are either unavailable or do not agree on the potential impact of this missense change (SIFT: "Deleterious"; PolyPhen-2: "Possibly Damaging"; Align-GVGD: "Class C0"). In summary, the available evidence is currently insufficient to determine the role of this variant in disease. Therefore, it has been classified as a Variant of Uncertain Significance.